The following is an entry in ClinVar:

ClinVar aggregate classification (germline): Uncertain significance (1 of 4 stars; one submission).

Conditions:
Hereditary cancer-predisposing syndrome. Also called: Neoplastic Syndromes, Hereditary; Tumor predisposition; Hereditary neoplastic syndrome; Hereditary Cancer Syndrome. Identifiers: Orphanet 140162, MedGen C0027672, MeSH D009386, MONDO:0015356.

gnomAD v4.1: 1 of 1,614,148 alleles (0.000062%); no homozygotes.

Submission:

Ambry Genetics
Classification: Uncertain significance for Hereditary cancer-predisposing syndrome. Last evaluated: 2026-07-07. Review status: criteria provided, single submitter. Criteria: Ambry Variant Classification Scheme 2023. Collection method: clinical testing. Allele origin: germline.
Comment: The p.H686Q variant (also known as c.2058T>A), located in coding exon 11 of the BARD1 gene, results from a T to A substitution at nucleotide position 2058. The histidine at codon 686 is replaced by glutamine, an amino acid with highly similar properties. This amino acid position is conserved. In addition, this alteration is predicted to be tolerated by in silico analysis. Based on the available evidence, the clinical significance of this variant remains unclear.

NM_000465.4(BARD1):c.2058T>A (p.His686Gln)

Gene: BARD1 (BRCA1 associated RING domain 1; minus strand). Cytogenetic location: 2q35.
Variant type: single nucleotide variant.
Coding change: c.2058T>A on transcript NM_000465.4 (MANE Select); coding-DNA position 2058, T replaced by A.
Protein change: p.His686Gln; replaces histidine 686 with glutamine.
Molecular consequence: missense variant. On other transcripts: non-coding transcript variant (3).
Genome position (GRCh38, 1-based): chr2:214,728,952, A>T on the plus strand (T>A on the coding strand, the complement: BARD1 is on the minus strand). VCF-style: chr2-214728952-A-T. GRCh37 (hg19) VCF-style: chr2-215593676-A-T.
Other names: c.2001T>A, p.His667Gln (NM_001282543.2); c.705T>A, p.His235Gln (NM_001282545.2); c.648T>A, p.His216Gln (NM_001282548.2); c.519T>A, p.His173Gln (NM_001282549.2); short protein forms H173Q, H216Q, H235Q, H686Q, H667Q.
Identifiers: ClinVar variation 5032802 (VCV005032802.1).